The following is an entry in ClinVar:

ClinVar aggregate classification (germline): Pathogenic (1 of 4 stars; one submission).

Conditions:
Autosomal recessive limb-girdle muscular dystrophy type 2C (LGMDR5). Also called: MUSCULAR DYSTROPHY, DUCHENNE-LIKE; MUSCULAR DYSTROPHY, LIMB-GIRDLE, AUTOSOMAL RECESSIVE 5. Identifiers: Orphanet 353, MedGen C0410173, MONDO:0009677, OMIM 253700. Disease mechanism: Affects gamma-sarcoglycan and also disrupts the integrity of the entire sarcoglycan complex..

Submission:

Labcorp Genetics (formerly Invitae), Labcorp
Classification: Pathogenic for Autosomal recessive limb-girdle muscular dystrophy type 2C. Last evaluated: 2019-06-14. Review status: criteria provided, single submitter. Criteria: Invitae Variant Classification Sherloc (09022015). Collection method: clinical testing. Allele origin: germline.
Comment: This variant is a gross deletion of the genomic region encompassing exon 2 of the SGCG gene, which includes the initiator codon. The 5' end of this event is unknown as it extends beyond the assayed region for this gene and therefore may encompass additional genes. The 3' boundary is likely confined to intron 2 of the SGCG gene. This is expected to result in an absent or disrupted protein product. This variant has not been reported in the literature in individuals with SGCG-related conditions. Loss-of-function variants in SGCG are known to be pathogenic (PMID: 18285821). For these reasons, this variant has been classified as Pathogenic.

Literature cited by the submitters: PubMed 18285821.

NC_000013.11:g.(?_23203685)_(23203899_?)del

Gene: SGCG (sarcoglycan gamma; plus strand). Cytogenetic location: 13q12.12.
Variant type: Deletion.
Identifiers: ClinVar variation 832832 (VCV000832832.2).